The following is an entry in ClinVar:

NM_001035.3(RYR2):c.3050C>T (p.Thr1017Ile)

Gene: RYR2 (ryanodine receptor 2; plus strand). Cytogenetic location: 1q43.
Variant type: single nucleotide variant.
Coding change: c.3050C>T on transcript NM_001035.3 (MANE Select); coding-DNA position 3050, C replaced by T.
Protein change: p.Thr1017Ile; replaces threonine 1017 with isoleucine.
Molecular consequence: missense variant.
Genome position (GRCh38, 1-based): chr1:237,548,574, C>T. VCF-style: chr1-237548574-C-T. GRCh37 (hg19) VCF-style: chr1-237711874-C-T.
Other names: short protein forms T1017I.
Identifiers: ClinVar variation 1900118 (VCV001900118.6), dbSNP rs2546278255, ClinGen allele CA345393732.

ClinVar aggregate classification (germline): Uncertain significance. Review status: criteria provided, multiple submitters, no conflicts (2 of 4 stars). 2 submissions from 2 submitters: Uncertain significance (2). Last evaluated 2024-07-20.

Conditions:
Catecholaminergic polymorphic ventricular tachycardia (CVPT). Also called: Catecholamine-induced polymorphic ventricular tachycardia. Identifiers: Orphanet 3286, MedGen C5574922, MONDO:0017990.
Catecholaminergic polymorphic ventricular tachycardia 1. Also called: RYR2-Related Catecholaminergic Polymorphic Ventricular Tachycardia; VENTRICULAR TACHYCARDIA, STRESS-INDUCED POLYMORPHIC 1; VENTRICULAR TACHYCARDIA, CATECHOLAMINERGIC POLYMORPHIC, 1, WITH OR WITHOUT ATRIAL DYSFUNCTION AND/OR DILATED CARDIOMYOPATHY. Identifiers: Orphanet 3286, MedGen C1631597, MONDO:0011484, OMIM 604772.

Submissions (2):

All of Us Research Program, National Institutes of Health
Classification: Uncertain significance for Catecholaminergic polymorphic ventricular tachycardia. Last evaluated: 2024-07-20. Review status: criteria provided, single submitter. Criteria: ACMG Guidelines, 2015. Collection method: clinical testing. Allele origin: germline. Inheritance: Autosomal dominant inheritance. Observed: 1 variant allele, 1 heterozygote.
Comment: This missense variant replaces threonine with isoleucine at codon 1017 of the RYR2 protein. Computational prediction is inconclusive regarding the impact of this variant on protein structure and function (internally defined REVEL score threshold 0.5 < inconclusive < 0.7, PMID: 27666373). To our knowledge, functional studies have not been reported for this variant. This variant has not been reported in individuals affected with RYR2-related disorders in the literature. This variant has not been identified in the general population by the Genome Aggregation Database (gnomAD). The available evidence is insufficient to determine the role of this variant in disease conclusively. Therefore, this variant is classified as a Variant of Uncertain Significance.

This study involves interpretation of variants in research participants for the purpose of population health screening. Participant phenotype was not available at the time of variant classification. Additional details can be found in publication PMID: 35346344, PMCID: PMC8962531

Labcorp Genetics (formerly Invitae), Labcorp
Classification: Uncertain significance for Catecholaminergic polymorphic ventricular tachycardia 1. Last evaluated: 2022-10-17. Review status: criteria provided, single submitter. Criteria: Invitae Variant Classification Sherloc (09022015). Collection method: clinical testing. Allele origin: germline.
Comment: This sequence change replaces threonine, which is neutral and polar, with isoleucine, which is neutral and non-polar, at codon 1017 of the RYR2 protein (p.Thr1017Ile). This variant is not present in population databases (gnomAD no frequency). In summary, the available evidence is currently insufficient to determine the role of this variant in disease. Therefore, it has been classified as a Variant of Uncertain Significance. Algorithms developed to predict the effect of missense changes on protein structure and function (SIFT, PolyPhen-2, Align-GVGD) all suggest that this variant is likely to be disruptive. This variant has not been reported in the literature in individuals affected with RYR2-related conditions.